The following is an entry in ClinVar:

NM_001378454.1(ALMS1):c.1871A>G (p.His624Arg)

Gene: ALMS1 (ALMS1 centrosome and basal body associated protein; plus strand). Cytogenetic location: 2p13.1.
Variant type: single nucleotide variant.
Coding change: c.1871A>G on transcript NM_001378454.1 (MANE Select); coding-DNA position 1871, A replaced by G.
Protein change: p.His624Arg; replaces histidine 624 with arginine.
Molecular consequence: missense variant.
Genome position (GRCh38, 1-based): chr2:73,448,398, A>G. VCF-style: chr2-73448398-A-G. GRCh37 (hg19) VCF-style: chr2-73675525-A-G.
Other names: NM_015120.4:c.1868A>G; p.His623Arg; c.1874A>G, p.His625Arg (NM_015120.4); short protein forms H625R, H624R.
Identifiers: ClinVar variation 240984 (VCV000240984.30), dbSNP rs41291187, ClinGen allele CA1713235.
Genomic context (GRCh38, chr2:73,448,398, plus strand): 5'-CTCCTGGACTAGCTGACCAGACAACTGGCATGTCAACTCTAACCTCTACTTCCTACTCAC[A>G]TAGAGAGAAGCCTGGTACTTTTTACCAACAAGAGTTACCAGAGAGTAACTTAACCGAAGA-3'
Protein context (NP_001365383.1, residues 614-634): MSTLTSTSYS[His624Arg]REKPGTFYQQ

ClinVar aggregate classification (germline): Benign/Likely benign. Review status: criteria provided, multiple submitters, no conflicts (2 of 4 stars). 13 submissions from 13 submitters: Benign (9); Likely benign (1). 3 of the submissions do not count toward it. Last evaluated 2026-02-04.

Conditions:
Monogenic diabetes. Identifiers: Orphanet 183625, MedGen C3888631, MONDO:0015967.
Cardiovascular phenotype. Identifiers: MedGen CN230736.
Alstrom syndrome (ALMS). Identifiers: Orphanet 64, MedGen C0268425, MONDO:0008763, OMIM 203800.

Allele frequency attached by ClinVar (database versions not stated): 1000 Genomes Project 0.00699; 1000 Genomes Project 30x 0.00765; TOPMed 0.01454; gnomAD 0.01596 and 0.01638; gnomAD exomes 0.01689; ESP Exome Variant Server 0.01877; ExAC 0.01898.
gnomAD v4.1: 33,233 of 1,614,026 alleles (2.1%); highest among the groups gnomAD compares: Non-Finnish European, 2.5%; 423 homozygotes.

Submissions (13):

Labcorp Genetics (formerly Invitae), Labcorp
Classification: Benign for Alstrom syndrome. Last evaluated: 2026-02-04. Review status: criteria provided, single submitter. Criteria: Invitae Variant Classification Sherloc (09022015). Collection method: clinical testing. Allele origin: germline.

ARUP Laboratories, Molecular Genetics and Genomics, ARUP Laboratories
Classification: Benign for Alstrom syndrome. Last evaluated: 2025-07-23. Review status: criteria provided, single submitter. Criteria: ARUP Molecular Germline Variant Investigation Process 2024. Collection method: clinical testing. Allele origin: germline.

Blueprint Genetics
Classification: Likely benign. Last evaluated: 2024-11-26. Review status: criteria provided, single submitter. Criteria: ACMG Guidelines, 2015. Collection method: clinical testing. Allele origin: germline.

Personalized Diabetes Medicine Program, University of Maryland School of Medicine
Classification: Benign for Monogenic diabetes. Last evaluated: 2019-01-25. Review status: criteria provided, single submitter. Criteria: ACMG Guidelines, 2015. Collection method: research. Allele origin: unknown. Observed: 7 variant alleles, 6 heterozygotes, 1 homozygote.
Comment: ACMG criteria: BP4 (9 predictors, REVEL=0.012), BA1 (2.8% in EurNF in gnomAD), BS2 (31 homozygotes in ExAC, 54 homozygotes in gnomAD), BP1 (known variants are truncating)=benign

Athena Diagnostics
Classification: Benign. Last evaluated: 2018-12-29. Review status: criteria provided, single submitter. Criteria: Athena Diagnostics Criteria. Collection method: clinical testing. Allele origin: germline.

Ambry Genetics
Classification: Benign for Cardiovascular phenotype. Last evaluated: 2018-12-24. Review status: criteria provided, single submitter. Criteria: Ambry Variant Classification Scheme 2023. Collection method: clinical testing. Allele origin: germline.

GeneDx
Classification: Benign. Last evaluated: 2018-05-18. Review status: criteria provided, single submitter. Criteria: GeneDx Variant Classification Process June 2021. Collection method: clinical testing. Allele origin: germline. Affected: yes.
Comment: This variant is associated with the following publications: (PMID: 26104972)

Women's Health and Genetics/Laboratory Corporation of America, LabCorp
Classification: Benign. Last evaluated: 2017-04-10. Review status: criteria provided, single submitter. Criteria: LabCorp Variant Classification Summary - May 2015. Collection method: clinical testing. Allele origin: germline.
Comment: Variant summary: The ALMS1 c.1868A>G (p.His623Arg, alternative name c.1874A>G) variant involves the alteration of a non-conserved nucleotide and 3/4 in silico tools (SNPs&GO not captured due to low reliability index) predict a benign outcome for this variant. This variant was found in 2291/120716 control chromosomes (31 homozygotes) at a frequency of 0.0189784, which is approximately 8 times the estimated maximal expected allele frequency of a pathogenic ALMS1 variant (0.0022361), suggesting this variant is likely a benign polymorphism. In addition, multiple clinical diagnostic laboratories classified this variant as "likely benign/benign." Therefore, the variant of interest has been classified as "benign."

Laboratory for Molecular Medicine, Mass General Brigham Personalized Medicine
Classification: Benign. Last evaluated: 2016-03-21. Review status: criteria provided, single submitter. Criteria: LMM Criteria. Collection method: clinical testing. Allele origin: germline. Observed: 11 variant alleles.
Comment: p.His623Arg in exon 8 of ALMS1: This variant is not expected to have clinical si gnificance because it has been identified in 2.88% (1921/66716) of European chro mosomes by the Exome Aggregation Consortium (ExAC, g; dbSNP rs41291187).

Breakthrough Genomics
Classification: Benign. Review status: criteria provided, single submitter. Criteria: ACMG Guidelines, 2015. Collection method: not provided. Allele origin: germline. Inheritance: Autosomal recessive inheritance. Affected: yes.

Natera, Inc.
Classification: Benign for Alstrom syndrome. Last evaluated: 2019-12-02. Review status: no assertion criteria provided. Collection method: clinical testing. Allele origin: germline. Not counted in ClinVar's aggregate classification.

Genome Diagnostics Laboratory, University Medical Center Utrecht
Classification: Benign. Review status: no assertion criteria provided. Collection method: clinical testing. Allele origin: germline. Affected: yes. Study: VKGL Data-share Consensus. Not counted in ClinVar's aggregate classification.

Laboratory of Diagnostic Genome Analysis, Leiden University Medical Center (LUMC)
Classification: Likely benign. Review status: no assertion criteria provided. Collection method: clinical testing. Allele origin: germline. Affected: yes. Study: VKGL Data-share Consensus. Not counted in ClinVar's aggregate classification.

Literature cited by the submitters: PubMed 27178444 (cited by Athena Diagnostics); PubMed 26104972 (cited by Athena Diagnostics).